The following is an entry in ClinVar:

ClinVar aggregate classification (germline): Benign/Likely benign. Review status: criteria provided, multiple submitters, no conflicts (2 of 4 stars). 18 submissions from 16 submitters: Benign (6); Likely benign (8). 4 of the submissions do not count toward it. Last evaluated 2026-06-05.

Conditions:
KIT-related disorder. Also called: KIT-related condition.
Hereditary cancer-predisposing syndrome. Also called: Neoplastic Syndromes, Hereditary; Hereditary Cancer Syndrome; Tumor predisposition; Hereditary neoplastic syndrome. Identifiers: Orphanet 140162, MedGen C0027672, MeSH D009386, MONDO:0015356.
Mastocytosis. Also called: Mast Cell Disease. Identifiers: Orphanet 98292, MedGen C0024899, MONDO:0007950, HP:0100495.
Gastrointestinal stromal tumor. Also called: Gastrointestinal stromal tumor, somatic; Gastrointestinal stroma tumor. Identifiers: Orphanet 44890, MedGen C0238198, MeSH D046152, MONDO:0011719, OMIM 606764, HP:0100723.
Piebaldism. Also called: Piebald skin depigmentation. Identifiers: Orphanet 2884, MedGen C0080024, MONDO:0008244, OMIM 172800, HP:0007544.

Allele frequency attached by ClinVar (database versions not stated): 1000 Genomes Project 30x 0.00078; 1000 Genomes Project 0.00080; gnomAD 0.00172 and 0.00176; TOPMed 0.00199; gnomAD exomes 0.00230; ExAC 0.00231; ESP Exome Variant Server 0.00231.
gnomAD v4.1: 3,766 of 1,614,032 alleles (0.23%); highest among the groups gnomAD compares: Middle Eastern, 0.66%; 10 homozygotes.

Submissions (18):

Myriad Genetics, Inc.
Classification: Benign for Gastrointestinal stromal tumor. Last evaluated: 2026-06-05. Review status: criteria provided, single submitter. Criteria: Myriad Autosomal Dominant, Autosomal Recessive and X-Linked Classification Criteria (2023). Collection method: clinical testing. Allele origin: unknown.
Comment: This variant is considered benign. This variant is a silent/synonymous amino acid change and it is not expected to impact splicing.

CeGaT Center for Human Genetics Tuebingen
Classification: Likely benign. Last evaluated: 2026-06-01. Review status: criteria provided, single submitter. Criteria: CeGaT Center For Human Genetics Tuebingen Variant Classification Criteria Version 2. Collection method: clinical testing. Allele origin: germline. Affected: yes. Observed: 49 variant alleles.
Comment: KIT: BP4, BP7

Labcorp Genetics (formerly Invitae), Labcorp
Classification: Benign for Gastrointestinal stromal tumor. Last evaluated: 2026-02-03. Review status: criteria provided, single submitter. Criteria: Invitae Variant Classification Sherloc (09022015). Collection method: clinical testing. Allele origin: germline.

Blueprint Genetics
Classification: Likely benign. Last evaluated: 2024-11-26. Review status: criteria provided, single submitter. Criteria: ACMG Guidelines, 2015. Collection method: clinical testing. Allele origin: germline.

KCCC/NGS Laboratory, Kuwait Cancer Control Center
Classification: Benign for Gastrointestinal stromal tumor. Last evaluated: 2023-07-07. Review status: criteria provided, single submitter. Criteria: ACMG Guidelines, 2015. Collection method: clinical testing. Allele origin: germline. Affected: yes.

ARUP Laboratories, Molecular Genetics and Genomics, ARUP Laboratories
Classification: Benign. Last evaluated: 2023-02-17. Review status: criteria provided, single submitter. Criteria: ARUP Molecular Germline Variant Investigation Process 2024. Collection method: clinical testing. Allele origin: germline.

Genetic Services Laboratory, University of Chicago
Classification: Likely benign. Last evaluated: 2021-11-19. Review status: criteria provided, single submitter. Criteria: ACMG Guidelines, 2015. Collection method: clinical testing. Allele origin: germline. Affected: no.

GeneDx
Classification: Likely benign. Last evaluated: 2020-08-04. Review status: criteria provided, single submitter. Criteria: GeneDx Variant Classification Process June 2021. Collection method: clinical testing. Allele origin: germline. Affected: yes.

Sema4
Classification: Benign for Hereditary cancer-predisposing syndrome. Last evaluated: 2020-07-07. Review status: criteria provided, single submitter. Criteria: Sema4 Curation Guidelines. Collection method: curation. Allele origin: germline.

Ambry Genetics
Classification: Likely benign for Hereditary cancer-predisposing syndrome. Last evaluated: 2018-09-28. Review status: criteria provided, single submitter. Criteria: Ambry Variant Classification Scheme 2023. Collection method: clinical testing. Allele origin: germline.

Illumina Laboratory Services, Illumina
Classification: Likely benign for Gastrointestinal stromal tumor. Last evaluated: 2018-01-13. Review status: criteria provided, single submitter. Criteria: ICSL Variant Classification Criteria 13 December 2019. Collection method: clinical testing. Allele origin: germline.
Comment: This variant was observed in the ICSL laboratory as part of a predisposition screen in an ostensibly healthy population. It had not been previously curated by ICSL or reported in the Human Gene Mutation Database (HGMD: prior to June 1st, 2018), and was therefore a candidate for classification through an automated scoring system. Utilizing variant allele frequency, disease prevalence and penetrance estimates, and inheritance mode, an automated score was calculated to assess if this variant is too frequent to cause the disease. Based on the score and internal cut-off values, a variant classified as likely benign is not then subjected to further curation. The score for this variant resulted in a classification of likely benign for this disease.

Illumina Laboratory Services, Illumina
Classification: Benign for Cutaneous mastocytosis. Last evaluated: 2018-01-13. Review status: criteria provided, single submitter. Criteria: ICSL Variant Classification Criteria 13 December 2019. Collection method: clinical testing. Allele origin: germline.
Comment: This variant was observed in the ICSL laboratory as part of a predisposition screen in an ostensibly healthy population. It had not been previously curated by ICSL or reported in the Human Gene Mutation Database (HGMD: prior to June 1st, 2018), and was therefore a candidate for classification through an automated scoring system. Utilizing variant allele frequency, disease prevalence and penetrance estimates, and inheritance mode, an automated score was calculated to assess if this variant is too frequent to cause the disease. Based on the score and internal cut-off values, a variant classified as benign is not then subjected to further curation. The score for this variant resulted in a classification of benign for this disease.

Illumina Laboratory Services, Illumina
Classification: Likely benign for Piebaldism. Last evaluated: 2018-01-13. Review status: criteria provided, single submitter. Criteria: ICSL Variant Classification Criteria 13 December 2019. Collection method: clinical testing. Allele origin: germline.
Comment: the same text as in the submission from Illumina Laboratory Services, Illumina above.

Breakthrough Genomics
Classification: Likely benign. Review status: criteria provided, single submitter. Criteria: ACMG Guidelines, 2015. Collection method: not provided. Allele origin: germline. Inheritance: Autosomal dominant inheritance. Affected: yes.

PreventionGenetics, part of Exact Sciences
Classification: Benign for KIT-related condition. Last evaluated: 2021-08-18. Review status: no assertion criteria provided. Collection method: clinical testing. Allele origin: germline. Not counted in ClinVar's aggregate classification.
Comment: This variant is classified as benign based on ACMG/AMP sequence variant interpretation guidelines (Richards et al. 2015 PMID: 25741868, with internal and published modifications).

Diagnostic Laboratory, Department of Genetics, University Medical Center Groningen
Classification: Likely benign. Review status: no assertion criteria provided. Collection method: clinical testing. Allele origin: germline. Affected: yes. Study: VKGL Data-share Consensus. Not counted in ClinVar's aggregate classification.

Genome Diagnostics Laboratory, Amsterdam University Medical Center
Classification: Likely benign. Review status: no assertion criteria provided. Collection method: clinical testing. Allele origin: germline. Affected: yes. Study: VKGL Data-share Consensus. Not counted in ClinVar's aggregate classification.

Laboratory of Diagnostic Genome Analysis, Leiden University Medical Center (LUMC)
Classification: Likely benign. Review status: no assertion criteria provided. Collection method: clinical testing. Allele origin: germline. Affected: yes. Study: VKGL Data-share Consensus. Not counted in ClinVar's aggregate classification.

NM_000222.3(KIT):c.2805T>A (p.Ile935=)

Gene: KIT (KIT proto-oncogene, receptor tyrosine kinase; plus strand). Cytogenetic location: 4q12.
Variant type: single nucleotide variant.
Coding change: c.2805T>A on transcript NM_000222.3 (MANE Select); coding-DNA position 2805, T replaced by A.
Protein change: p.Ile935=; no amino-acid change (isoleucine 935 retained).
Molecular consequence: synonymous variant.
Genome position (GRCh38, 1-based): chr4:54,738,431, T>A. VCF-style: chr4-54738431-T-A. GRCh37 (hg19) VCF-style: chr4-55604597-T-A.
Other names: c.2793T>A, p.Ile931= (NM_001093772.2, NM_001385292.1); c.2808T>A, p.Ile936= (NM_001385284.1); c.2802T>A, p.Ile934= (NM_001385285.1); c.2790T>A, p.Ile930= (NM_001385286.1); c.2796T>A, p.Ile932= (NM_001385288.1); c.2805T>A, p.Ile935= (NM_001385290.1).
Identifiers: ClinVar variation 221133 (VCV000221133.58), dbSNP rs72549296, ClinGen allele CA350606.